The following is an entry in ClinVar:

NM_001080409.3(ZNF99):c.1785T>C (p.Cys595=)

Gene: ZNF99 (zinc finger protein 99; minus strand). Cytogenetic location: 19p12.
Variant type: single nucleotide variant.
Coding change: c.1785T>C on transcript NM_001080409.3 (MANE Select); coding-DNA position 1785, T replaced by C.
Protein change: p.Cys595=; no amino-acid change (cysteine 595 retained).
Molecular consequence: synonymous variant.
Genome position (GRCh38, 1-based): chr19:22,758,124, A>G on the plus strand (T>C on the coding strand, the complement: ZNF99 is on the minus strand). VCF-style: chr19-22758124-A-G. GRCh37 (hg19) VCF-style: chr19-22940926-A-G.
Identifiers: ClinVar variation 2649654 (VCV002649654.24), dbSNP rs948656982, ClinGen allele CA306649573.

ClinVar aggregate classification (germline): Likely benign (1 of 4 stars; one submission).

Allele frequency attached by ClinVar (database versions not stated): gnomAD exomes 0.00001; gnomAD 0.00005; TOPMed 0.00009.
gnomAD v4.1: 15 of 1,611,910 alleles (0.00093%); highest among the groups gnomAD compares: African/African-American, 0.012%; no homozygotes.

Submission:

CeGaT Center for Human Genetics Tuebingen
Classification: Likely benign. Last evaluated: 2023-01-01. Review status: criteria provided, single submitter. Criteria: CeGaT Center For Human Genetics Tuebingen Variant Classification Criteria Version 2. Collection method: clinical testing. Allele origin: germline. Affected: yes. Observed: 1 variant allele.
Comment: ZNF99: BP4, BP7